The following is an entry in ClinVar:

NM_000214.3(JAG1):c.2436T>G (p.Phe812Leu)

Gene: JAG1 (jagged canonical Notch ligand 1; minus strand). Cytogenetic location: 20p12.2.
Variant type: single nucleotide variant.
Coding change: c.2436T>G on transcript NM_000214.3 (MANE Select); coding-DNA position 2436, T replaced by G.
Protein change: p.Phe812Leu; replaces phenylalanine 812 with leucine.
Molecular consequence: missense variant.
Genome position (GRCh38, 1-based): chr20:10,643,800, A>C on the plus strand (T>G on the coding strand, the complement: JAG1 is on the minus strand). VCF-style: chr20-10643800-A-C. GRCh37 (hg19) VCF-style: chr20-10624448-A-C.
Other names: short protein forms F812L.
Identifiers: ClinVar variation 3671280 (VCV003671280.2).

ClinVar aggregate classification (germline): Uncertain significance (1 of 4 stars; one submission).

Conditions:
Alagille syndrome due to a JAG1 point mutation. Also called: Alagille Syndrome 1; HEPATIC DUCTULAR HYPOPLASIA, SYNDROMATIC; JAG1-Related Alagille Syndrome. Identifiers: Orphanet 261619, Orphanet 52, MedGen C1956125, MONDO:0016862, OMIM 118450.

Submission:

Labcorp Genetics (formerly Invitae), Labcorp
Classification: Uncertain significance for Alagille syndrome due to a JAG1 point mutation. Last evaluated: 2024-03-24. Review status: criteria provided, single submitter. Criteria: Invitae Variant Classification Sherloc (09022015). Collection method: clinical testing. Allele origin: germline.
Comment: This sequence change replaces phenylalanine, which is neutral and non-polar, with leucine, which is neutral and non-polar, at codon 812 of the JAG1 protein (p.Phe812Leu). This variant is not present in population databases (gnomAD no frequency). This variant has not been reported in the literature in individuals affected with JAG1-related conditions. Advanced modeling of protein sequence and biophysical properties (such as structural, functional, and spatial information, amino acid conservation, physicochemical variation, residue mobility, and thermodynamic stability) performed at Invitae indicates that this missense variant is expected to disrupt JAG1 protein function with a positive predictive value of 95%. In summary, the available evidence is currently insufficient to determine the role of this variant in disease. Therefore, it has been classified as a Variant of Uncertain Significance.